The following is an entry in ClinVar:

NM_003079.5(SMARCE1):c.1102G>T (p.Glu368Ter)

Gene: SMARCE1 (SWI/SNF related BAF chromatin remodeling complex subunit E1; minus strand). Cytogenetic location: 17q21.2.
Variant type: single nucleotide variant.
Coding change: c.1102G>T on transcript NM_003079.5 (MANE Select); coding-DNA position 1102, G replaced by T.
Protein change: p.Glu368Ter; replaces glutamic acid 368 with a stop codon.
Molecular consequence: nonsense.
Genome position (GRCh38, 1-based): chr17:40,628,919, C>A on the plus strand (G>T on the coding strand, the complement: SMARCE1 is on the minus strand). VCF-style: chr17-40628919-C-A. GRCh37 (hg19) VCF-style: chr17-38785171-C-A.
Other names: short protein forms E368*.
Identifiers: ClinVar variation 855940 (VCV000855940.9), dbSNP rs2037062233, ClinGen allele CA399361423.

ClinVar aggregate classification (germline): Uncertain significance (1 of 4 stars; one submission).

Conditions:
Familial meningioma. Also called: Meningioma, familial, susceptibility to. Identifiers: Orphanet 263662, MedGen C3551915, MONDO:0011789, OMIM 607174.

Submission:

Labcorp Genetics (formerly Invitae), Labcorp
Classification: Uncertain significance for Familial meningioma. Last evaluated: 2019-02-22. Review status: criteria provided, single submitter. Criteria: Invitae Variant Classification Sherloc (09022015). Collection method: clinical testing. Allele origin: germline.
Comment: This sequence change results in a premature translational stop signal in the SMARCE1 gene (p.Glu368*). While this is not anticipated to result in nonsense mediated decay, it is expected to delete the last 44 amino acids of the SMARCE1 protein. This variant is not present in population databases (ExAC no frequency). In summary, the available evidence is currently insufficient to determine the role of this variant in disease. Therefore, it has been classified as a Variant of Uncertain Significance. Experimental studies and prediction algorithms are not available for this variant, and the functional significance of the affected amino acid(s) is currently unknown. This variant has not been reported in the literature in individuals with SMARCE1-related conditions.